The following is an entry in ClinVar:

NM_001267550.2(TTN):c.48639-2A>G

Genes: TTN (titin; minus strand), TTN-AS1 (TTN antisense RNA 1; plus strand), LOC126806426 (BRD4-independent group 4 enhancer GRCh37_chr2:179478848-179480047; plus strand). Cytogenetic location: 2q31.2.
Variant type: single nucleotide variant.
Coding change: c.48639-2A>G on transcript NM_001267550.2 (MANE Select); the canonical splice acceptor site of the intron before coding-DNA position 48639, A replaced by G.
Molecular consequence: splice acceptor variant.
Genome position (GRCh38, 1-based): chr2:178,614,970, T>C on the plus strand (A>G on the coding strand, the complement: TTN is on the minus strand). VCF-style: chr2-178614970-T-C. GRCh37 (hg19) VCF-style: chr2-179479697-T-C.
Other names: c.21444-2A>G (NM_003319.4); c.22020-2A>G (NM_133437.4); c.21819-2A>G (NM_133432.3); c.40935-2A>G (NM_133378.4); c.43716-2A>G (NM_001256850.1).
Identifiers: ClinVar variation 4280333 (VCV004280333.1).

ClinVar aggregate classification (germline): Likely pathogenic (1 of 4 stars; one submission).

Conditions:
Dilated cardiomyopathy 1G (CMD1G). Identifiers: Orphanet 154, MedGen C1858763, MONDO:0011400, OMIM 604145.

Submission:

Clinical Genetics Laboratory, Region Ostergotland
Classification: Likely pathogenic for Dilated cardiomyopathy 1G. Last evaluated: 2024-02-16. Review status: criteria provided, single submitter. Criteria: ACMG Guidelines, 2015. Collection method: clinical testing. Allele origin: germline. Affected: yes. Observed: 2 heterozygotes.
Comment: The following ACMG/AMP criteria were applied in classifying this variant: PVS1, PM2